The following is an entry in ClinVar:

ClinVar aggregate classification (germline): Uncertain significance (1 of 4 stars; one submission).

Conditions:
Atrial standstill 1 (ATRST1). Also called: Atrial standstill, digenic (GJA5/SCN5A); ATRIAL CARDIOMYOPATHY WITH HEART BLOCK; CARDIOMYOPATHY, FAMILIAL, WITH CONDUCTION DISTURBANCE. Identifiers: Orphanet 1344, MedGen C4551959, MONDO:0007171, OMIM 108770.
Atrial fibrillation, familial, 11 (ATFB11). Identifiers: MedGen C3279693, MONDO:0013544, OMIM 614049.

gnomAD v4.1: 24 of 1,614,188 alleles (0.0015%); highest among the groups gnomAD compares: Non-Finnish European, 0.002%; no homozygotes.

Submission:

Labcorp Genetics (formerly Invitae), Labcorp
Classification: Uncertain significance for Atrial fibrillation, familial, 11; Atrial standstill 1. Last evaluated: 2024-04-17. Review status: criteria provided, single submitter. Criteria: Invitae Variant Classification Sherloc (09022015). Collection method: clinical testing. Allele origin: germline.
Comment: This sequence change replaces glutamine, which is neutral and polar, with histidine, which is basic and polar, at codon 259 of the GJA5 protein (p.Gln259His). This variant is present in population databases (rs782126716, gnomAD 0.002%). This variant has not been reported in the literature in individuals affected with GJA5-related conditions. Advanced modeling of protein sequence and biophysical properties (such as structural, functional, and spatial information, amino acid conservation, physicochemical variation, residue mobility, and thermodynamic stability) performed at Invitae indicates that this missense variant is not expected to disrupt GJA5 protein function with a negative predictive value of 80%. In summary, the available evidence is currently insufficient to determine the role of this variant in disease. Therefore, it has been classified as a Variant of Uncertain Significance.

NM_181703.4(GJA5):c.777G>T (p.Gln259His)

Genes: GJA5 (gap junction protein alpha 5; minus strand), LOC122128420 (Sharpr-MPRA regulatory region 3144; plus strand). Cytogenetic location: 1q21.2.
Variant type: single nucleotide variant.
Coding change: c.777G>T on transcript NM_181703.4 (MANE Select); coding-DNA position 777, G replaced by T.
Protein change: p.Gln259His; replaces glutamine 259 with histidine.
Molecular consequence: missense variant.
Genome position (GRCh38, 1-based): chr1:147,758,462, C>A on the plus strand (G>T on the coding strand, the complement: GJA5 is on the minus strand). VCF-style: chr1-147758462-C-A. GRCh37 (hg19) VCF-style: chr1-147230570-C-A.
Other names: c.777G>T, p.Gln259His (NM_005266.7); short protein forms Q259H.
Identifiers: ClinVar variation 3748494 (VCV003748494.2).